The following is an entry in ClinVar:

ClinVar aggregate classification (germline): Likely pathogenic (1 of 4 stars; one submission).

Conditions:
Polyglandular autoimmune syndrome, type 1 (APS1). Also called: APS I; HYPOADRENOCORTICISM WITH HYPOPARATHYROIDISM AND SUPERFICIAL MONILIASIS; Whitaker syndrome; Autoimmune polyendocrinopathy syndrome , type I, with or without reversible metaphyseal dysplasia; PGA I; Autoimmune polyendocrinopathy syndrome, type I. Identifiers: Orphanet 3453, MedGen C0085859, MONDO:0009411, OMIM 240300.

Submission:

Labcorp Genetics (formerly Invitae), Labcorp
Classification: Likely pathogenic for Polyglandular autoimmune syndrome, type 1. Last evaluated: 2023-11-08. Review status: criteria provided, single submitter. Criteria: Invitae Variant Classification Sherloc (09022015). Collection method: clinical testing. Allele origin: germline.
Comment: This sequence change affects a donor splice site in intron 8 of the AIRE gene. It is expected to disrupt RNA splicing. Variants that disrupt the donor or acceptor splice site typically lead to a loss of protein function (PMID: 16199547), and loss-of-function variants in AIRE are known to be pathogenic (PMID: 11524731, 26141571). This variant is not present in population databases (gnomAD no frequency). This variant has not been reported in the literature in individuals affected with AIRE-related conditions. ClinVar contains an entry for this variant (Variation ID: 2032093). Algorithms developed to predict the effect of sequence changes on RNA splicing suggest that this variant may disrupt the consensus splice site. In summary, the currently available evidence indicates that the variant is pathogenic, but additional data are needed to prove that conclusively. Therefore, this variant has been classified as Likely Pathogenic.

Literature cited by the submitters: PubMed 16199547; PubMed 11524731; PubMed 26141571.

NM_000383.4(AIRE):c.995+1G>C

Gene: AIRE (autoimmune regulator; plus strand). Cytogenetic location: 21q22.3.
Variant type: single nucleotide variant.
Coding change: c.995+1G>C on transcript NM_000383.4 (MANE Select); the canonical splice donor site of the intron after coding-DNA position 995, G replaced by C.
Molecular consequence: splice donor variant.
Genome position (GRCh38, 1-based): chr21:44,291,211, G>C. VCF-style: chr21-44291211-G-C. GRCh37 (hg19) VCF-style: chr21-45711094-G-C.
Identifiers: ClinVar variation 2032093 (VCV002032093.4), dbSNP rs2517882229, ClinGen allele CA410425028.